The following is an entry in ClinVar:

NM_001256470.2(PLEKHA5):c.3412C>T (p.His1138Tyr)

Gene: PLEKHA5 (pleckstrin homology domain containing A5; plus strand). Cytogenetic location: 12p12.3.
Variant type: single nucleotide variant.
Coding change: c.3412C>T on transcript NM_001256470.2 (MANE Select); coding-DNA position 3412, C replaced by T.
Protein change: p.His1138Tyr; replaces histidine 1138 with tyrosine.
Molecular consequence: missense variant. On other transcripts: non-coding transcript variant (6).
Genome position (GRCh38, 1-based): chr12:19,359,475, C>T. VCF-style: chr12-19359475-C-T. GRCh37 (hg19) VCF-style: chr12-19512409-C-T.
Other names: c.3088C>T, p.His1030Tyr (NM_001143821.3, NM_001385933.1, NM_001385968.1); c.2860C>T, p.His954Tyr (NM_001256787.2); c.3394C>T, p.His1132Tyr (NM_001385923.1); c.3376C>T, p.His1126Tyr (NM_001385924.1); c.3358C>T, p.His1120Tyr (NM_001385925.1); c.3412C>T, p.His1138Tyr (NM_001385926.1); c.3292C>T, p.His1098Tyr (NM_001385927.1); c.3244C>T, p.His1082Tyr (NM_001385928.1); and 30 more; short protein forms H1035Y, H1082Y, H1098Y, H1120Y, H814Y, H859Y, H944Y, H954Y.
Identifiers: ClinVar variation 2354344 (VCV002354344.3), dbSNP rs764193416, ClinGen allele CA6472851.

ClinVar aggregate classification (germline): Uncertain significance. Review status: criteria provided, single submitter (1 of 4 stars). 2 submissions from 2 submitters: Uncertain significance (1). 1 of the submissions does not count toward it. Last evaluated 2022-10-04.

Conditions:
PLEKHA5-related disorder. Also called: PLEKHA5-related condition.

Allele frequency attached by ClinVar (database versions not stated): ExAC 0.00001; gnomAD 0.00001; gnomAD exomes 0.00005; TOPMed 0.00005.
gnomAD v4.1: 70 of 1,613,338 alleles (0.0043%); highest among the groups gnomAD compares: Non-Finnish European, 0.0059%; no homozygotes.

Submissions (2):

Ambry Genetics
Classification: Uncertain significance. Last evaluated: 2022-10-04. Review status: criteria provided, single submitter. Criteria: Ambry Variant Classification Scheme 2023. Collection method: clinical testing. Allele origin: germline.

PreventionGenetics, part of Exact Sciences
Classification: Uncertain significance for PLEKHA5-related condition. Last evaluated: 2024-05-14. Review status: no assertion criteria provided. Collection method: clinical testing. Allele origin: germline. Not counted in ClinVar's aggregate classification.
Comment: The PLEKHA5 c.3412C>T variant is predicted to result in the amino acid substitution p.His1138Tyr. To our knowledge, this variant has not been reported in the literature. This variant is reported in 0.0035% of alleles in individuals of European (Non-Finnish) descent in gnomAD. At this time, the clinical significance of this variant is uncertain due to the absence of conclusive functional and genetic evidence.